The following is an entry in ClinVar:

NM_015164.4(PLEKHM2):c.449G>A (p.Arg150His)

Gene: PLEKHM2 (pleckstrin homology and RUN domain containing M2; plus strand). Cytogenetic location: 1p36.21.
Variant type: single nucleotide variant.
Coding change: c.449G>A on transcript NM_015164.4 (MANE Select); coding-DNA position 449, G replaced by A.
Protein change: p.Arg150His; replaces arginine 150 with histidine.
Molecular consequence: missense variant.
Genome position (GRCh38, 1-based): chr1:15,718,609, G>A. VCF-style: chr1-15718609-G-A. GRCh37 (hg19) VCF-style: chr1-16045104-G-A.
Other names: short protein forms R150H.
Identifiers: ClinVar variation 1349450 (VCV001349450.8), dbSNP rs753728158, ClinGen allele CA616689.

ClinVar aggregate classification (germline): Uncertain significance (1 of 4 stars; one submission).

Allele frequency attached by ClinVar (database versions not stated): gnomAD 0.00001 and 0.00002; ExAC 0.00003.
gnomAD v4.1: 5 of 1,342,070 alleles (0.00037%); highest among the groups gnomAD compares: African/African-American, 0.0031%; no homozygotes.

Submission:

Labcorp Genetics (formerly Invitae), Labcorp
Classification: Uncertain significance. Last evaluated: 2023-03-04. Review status: criteria provided, single submitter. Criteria: Invitae Variant Classification Sherloc (09022015). Collection method: clinical testing. Allele origin: germline.
Comment: In summary, the available evidence is currently insufficient to determine the role of this variant in disease. Therefore, it has been classified as a Variant of Uncertain Significance. An algorithm developed to predict the effect of missense changes on protein structure and function (PolyPhen-2) suggests that this variant is likely to be disruptive. ClinVar contains an entry for this variant (Variation ID: 1349450). This variant has not been reported in the literature in individuals affected with PLEKHM2-related conditions. The frequency data for this variant in the population databases is considered unreliable, as metrics indicate poor data quality at this position in the gnomAD database. This sequence change replaces arginine, which is basic and polar, with histidine, which is basic and polar, at codon 150 of the PLEKHM2 protein (p.Arg150His).